The following is an entry in ClinVar:

NM_005188.4(CBL):c.1250C>T (p.Pro417Leu)

Gene: CBL (Cbl proto-oncogene; plus strand). Cytogenetic location: 11q23.3.
Variant type: single nucleotide variant.
Coding change: c.1250C>T on transcript NM_005188.4 (MANE Select); coding-DNA position 1250, C replaced by T.
Protein change: p.Pro417Leu; replaces proline 417 with leucine.
Molecular consequence: missense variant.
Genome position (GRCh38, 1-based): chr11:119,278,532, C>T. VCF-style: chr11-119278532-C-T. GRCh37 (hg19) VCF-style: chr11-119149242-C-T.
Other names: short protein forms P417L.
Identifiers: ClinVar variation 4691803 (VCV004691803.1).

ClinVar aggregate classification (germline): Uncertain significance (1 of 4 stars; one submission).

Conditions:
RASopathy. Also called: rasopathies; Noonan spectrum disorder. Identifiers: Orphanet 536391, MedGen C5555857, MONDO:0021060.

gnomAD v4.1: 1 of 1,614,126 alleles (0.000062%); highest among the groups gnomAD compares: Non-Finnish European, 0.000085%; no homozygotes.

Submission:

Labcorp Genetics (formerly Invitae), Labcorp
Classification: Uncertain significance for RASopathy. Last evaluated: 2025-03-27. Review status: criteria provided, single submitter. Criteria: Invitae Variant Classification Sherloc (09022015). Collection method: clinical testing. Allele origin: germline.
Comment: This sequence change replaces proline, which is neutral and non-polar, with leucine, which is neutral and non-polar, at codon 417 of the CBL protein (p.Pro417Leu). This variant is present in population databases (rs779039234, gnomAD 0.0009%). This variant has not been reported in the literature in individuals affected with CBL-related conditions. Invitae Evidence Modeling of protein sequence and biophysical properties (such as structural, functional, and spatial information, amino acid conservation, physicochemical variation, residue mobility, and thermodynamic stability) indicates that this missense variant is expected to disrupt CBL protein function with a positive predictive value of 95%. In summary, the available evidence is currently insufficient to determine the role of this variant in disease. Therefore, it has been classified as a Variant of Uncertain Significance.